The following is an entry in ClinVar:

NM_199420.4(POLQ):c.7295A>G (p.Lys2432Arg)

Gene: POLQ (DNA polymerase theta; minus strand). Cytogenetic location: 3q13.33.
Variant type: single nucleotide variant.
Coding change: c.7295A>G on transcript NM_199420.4 (MANE Select); coding-DNA position 7295, A replaced by G.
Protein change: p.Lys2432Arg; replaces lysine 2432 with arginine.
Molecular consequence: missense variant.
Genome position (GRCh38, 1-based): chr3:121,440,086, T>C on the plus strand (A>G on the coding strand, the complement: POLQ is on the minus strand). VCF-style: chr3-121440086-T-C. GRCh37 (hg19) VCF-style: chr3-121158933-T-C.
Other names: short protein forms K2432R.
Identifiers: ClinVar variation 1758122 (VCV001758122.2), dbSNP rs767403912, ClinGen allele CA2562212.

ClinVar aggregate classification (germline): Uncertain significance (1 of 4 stars; one submission).

Allele frequency attached by ClinVar (database versions not stated): ExAC 0.00001.
gnomAD v4.1: 3 of 1,607,492 alleles (0.00019%); highest among the groups gnomAD compares: East Asian, 0.0067%; no homozygotes.

Submission:

Ambry Genetics
Classification: Uncertain significance. Last evaluated: 2022-02-12. Review status: criteria provided, single submitter. Criteria: Ambry Variant Classification Scheme 2023. Collection method: clinical testing. Allele origin: germline.
Comment: The p.K2432R variant (also known as c.7295A>G), located in coding exon 27 of the POLQ gene, results from an A to G substitution at nucleotide position 7295. The lysine at codon 2432 is replaced by arginine, an amino acid with highly similar properties. This amino acid position is conserved. In addition, the in silico prediction for this alteration is inconclusive. Since supporting evidence is limited at this time, the clinical significance of this alteration remains unclear.